The following is an entry in ClinVar:

ClinVar aggregate classification (germline): Uncertain significance (1 of 4 stars; one submission).

Allele frequency attached by ClinVar (database versions not stated): gnomAD 0.00002 and 0.00003; gnomAD exomes 0.00002; TOPMed 0.00003; ExAC 0.00005; 1000 Genomes Project 30x 0.00016; 1000 Genomes Project 0.00020.
gnomAD v4.1: 42 of 1,583,088 alleles (0.0027%); highest among the groups gnomAD compares: Middle Eastern, 0.017%; no homozygotes.

Submission:

Labcorp Genetics (formerly Invitae), Labcorp
Classification: Uncertain significance. Last evaluated: 2025-11-27. Review status: criteria provided, single submitter. Criteria: Invitae Variant Classification Sherloc (09022015). Collection method: clinical testing. Allele origin: germline.
Comment: This sequence change replaces aspartic acid, which is acidic and polar, with asparagine, which is neutral and polar, at codon 197 of the FSCN2 protein (p.Asp197Asn). The frequency data for this variant in the population databases is considered unreliable, as metrics indicate poor data quality at this position in the gnomAD database. This variant has not been reported in the literature in individuals affected with FSCN2-related conditions. ClinVar contains an entry for this variant (Variation ID: 957558). An algorithm developed to predict the effect of missense changes on protein structure and function (PolyPhen-2) suggests that this variant is likely to be disruptive. In summary, the available evidence is currently insufficient to determine the role of this variant in disease. Therefore, it has been classified as a Variant of Uncertain Significance.

NM_012418.4(FSCN2):c.589G>A (p.Asp197Asn)

Gene: FSCN2 (fascin actin-bundling protein 2, retinal; plus strand). Cytogenetic location: 17q25.3.
Variant type: single nucleotide variant.
Coding change: c.589G>A on transcript NM_012418.4 (MANE Select); coding-DNA position 589, G replaced by A.
Protein change: p.Asp197Asn; replaces aspartic acid 197 with asparagine.
Molecular consequence: missense variant.
Genome position (GRCh38, 1-based): chr17:81,529,120, G>A. VCF-style: chr17-81529120-G-A. GRCh37 (hg19) VCF-style: chr17-79496146-G-A.
Other names: c.589G>A, p.Asp197Asn (NM_001077182.3); short protein forms D197N.
Identifiers: ClinVar variation 957558 (VCV000957558.10), dbSNP rs569916486, ClinGen allele CA8836728.